The following is an entry in ClinVar:

NM_152879.3(DGKD):c.2666T>C (p.Ile889Thr)

Gene: DGKD (diacylglycerol kinase delta; plus strand). Cytogenetic location: 2q37.1.
Variant type: single nucleotide variant.
Coding change: c.2666T>C on transcript NM_152879.3 (MANE Select); coding-DNA position 2666, T replaced by C.
Protein change: p.Ile889Thr; replaces isoleucine 889 with threonine.
Molecular consequence: missense variant.
Genome position (GRCh38, 1-based): chr2:233,458,369, T>C. VCF-style: chr2-233458369-T-C. GRCh37 (hg19) VCF-style: chr2-234367015-T-C.
Other names: c.2267T>C, p.Ile756Thr (NM_001377259.1); c.2534T>C, p.Ile845Thr (NM_003648.3); short protein forms I889T, I756T, I845T.
Identifiers: ClinVar variation 872656 (VCV000872656.41), dbSNP rs2063523864, ClinGen allele CA351063487.

ClinVar aggregate classification (germline): Uncertain significance (1 of 4 stars; one submission).

Allele frequency attached by ClinVar (database versions not stated): gnomAD exomes below 0.00001.
gnomAD v4.1: 2 of 1,611,190 alleles (0.00012%); highest among the groups gnomAD compares: South Asian, 0.0011%; no homozygotes.

Submission:

CeGaT Center for Human Genetics Tuebingen
Classification: Uncertain significance. Last evaluated: 2022-06-01. Review status: criteria provided, single submitter. Criteria: CeGaT Center For Human Genetics Tuebingen Variant Classification Criteria Version 2. Collection method: clinical testing. Allele origin: germline. Affected: yes. Observed: 1 variant allele.
Comment: DGKD: PM2